The following is an entry in ClinVar:

NM_001844.5(COL2A1):c.4244G>A (p.Gly1415Asp)

Gene: COL2A1 (collagen type II alpha 1 chain; minus strand). Cytogenetic location: 12q13.11.
Variant type: single nucleotide variant.
Coding change: c.4244G>A on transcript NM_001844.5 (MANE Select); coding-DNA position 4244, G replaced by A.
Protein change: p.Gly1415Asp; replaces glycine 1415 with aspartic acid.
Molecular consequence: missense variant.
Genome position (GRCh38, 1-based): chr12:47,974,162, C>T on the plus strand (G>A on the coding strand, the complement: COL2A1 is on the minus strand). VCF-style: chr12-47974162-C-T. GRCh37 (hg19) VCF-style: chr12-48367945-C-T.
Other names: c.4037G>A, p.Gly1346Asp (NM_033150.3); short protein forms G1346D, G1415D.
Identifiers: ClinVar variation 5005103 (VCV005005103.2).

ClinVar aggregate classification (germline): Uncertain significance (1 of 4 stars; one submission).

Conditions:
Spondyloepiphyseal dysplasia, Stanescu type. Also called: SED, STANESCU TYPE; SPONDYLOEPIMETAPHYSEAL DYSPLASIA, STANESCU TYPE. Identifiers: Orphanet 459051, MedGen C4225273, MONDO:0014701, OMIM 616583.
Vitreoretinopathy with phalangeal epiphyseal dysplasia (VPED). Identifiers: MedGen C1852989, MONDO:0031001, OMIM 619248.
Stickler syndrome, type I, nonsyndromic ocular. Also called: STICKLER SYNDROME, TYPE I, PREDOMINANTLY OCULAR; STICKLER SYNDROME, ATYPICAL. Identifiers: MedGen C1836080, MONDO:0012287, OMIM 609508.
Spondyloepiphyseal dysplasia congenita (SEDC). Also called: SED CONGENITA; SPONDYLOEPIPHYSEAL DYSPLASIA, CONGENITAL TYPE. Identifiers: Orphanet 94068, MedGen C2745959, MONDO:0008471, OMIM 183900.
Multiple epiphyseal dysplasia, Beighton type. Identifiers: Orphanet 166011, MedGen C1851536, MONDO:0007562, OMIM 132450.
Spondyloepiphyseal dysplasia with metatarsal shortening. Also called: CZECH DYSPLASIA, METATARSAL TYPE; SPONDYLOEPIPHYSEAL DYSPLASIA WITH PRECOCIOUS OSTEOARTHRITIS; Pseudorheumatoid dysplasia progressive, with hypoplastic toes. Identifiers: Orphanet 137678, MedGen C1836683, MONDO:0012206, OMIM 609162.
Platyspondylic dysplasia, Torrance type (PLSDT). Identifiers: Orphanet 85166, MedGen C1835437, MONDO:0007895, OMIM 151210.
Spondyloperipheral dysplasia. Also called: SPONDYLOPERIPHERAL DYSPLASIA WITH SHORT ULNA; Spondyloperipheral dysplasia-short ulna syndrome. Identifiers: Orphanet 1856, MedGen C0796173, MONDO:0010078, OMIM 271700.
Stickler syndrome type 1 (STL1). Also called: ARTHROOPHTHALMOPATHY, HEREDITARY PROGRESSIVE; STICKLER SYNDROME, MEMBRANOUS VITREOUS TYPE; STICKLER SYNDROME, VITREOUS TYPE 1; COL2A1-Related Stickler Syndrome. Identifiers: Orphanet 828, Orphanet 90653, MedGen C2020284, MONDO:0007160, OMIM 108300.
Namaqualand hip dysplasia (OSCDP). Also called: Mild spondyloepiphyseal dysplasia due to COL2A1 mutation with early-onset osteoarthritis. Identifiers: Orphanet 93279, MedGen C0432214, MONDO:0011496, OMIM 604864.
Avascular necrosis of femoral head, primary, 1 (ANFH1). Also called: Avascular necrosis of femoral head, primary. Identifiers: Orphanet 86820, MedGen C4551562, MONDO:0054550, OMIM 608805.
Spondyloepimetaphyseal dysplasia, Strudwick type (SEMDSTWK). Also called: DAPPLED METAPHYSIS SYNDROME; STRUDWICK SYNDROME. Identifiers: Orphanet 93346, MedGen C0700635, MONDO:0008476, OMIM 184250.
Spondylometaphyseal dysplasia, Schmidt type (SMDALG). Also called: SPONDYLOMETAPHYSEAL DYSPLASIA, ALGERIAN TYPE; SPONDYLOMETAPHYSEAL DYSPLASIA WITH SEVERE GENU VALGUM. Identifiers: Orphanet 93316, MedGen C1866688, MONDO:0008478, OMIM 184253.
Kniest dysplasia. Identifiers: Orphanet 485, MedGen C0265279, MONDO:0007987, OMIM 156550.
Legg-Calve-Perthes disease. Also called: Osteochondritis deformans; Coxa plana; PERTHES DISEASE; Avascular necrosis of the capital femoral epiphysis. Identifiers: Orphanet 2380, MedGen C1442965, MONDO:0007885, OMIM 150600, HP:0005743.
Achondrogenesis type II (ACG2). Also called: ACHONDROGENESIS, LANGER-SALDINO TYPE; CHONDROGENESIS IMPERFECTA. Identifiers: Orphanet 932, Orphanet 93296, MedGen C0220685, MONDO:0008702, OMIM 200610.

Submission:

Juno Genomics, Hangzhou Juno Genomics, Inc
Classification: Uncertain significance for Spondyloepiphyseal dysplasia, Stanescu type; Spondyloperipheral dysplasia; Stickler syndrome type 1; Stickler syndrome, type I, nonsyndromic ocular; Spondylometaphyseal dysplasia, Schmidt type; Multiple epiphyseal dysplasia, Beighton type; Vitreoretinopathy with phalangeal epiphyseal dysplasia; Achondrogenesis type II; Avascular necrosis of femoral head, primary, 1; Spondyloepiphyseal dysplasia with metatarsal shortening; Kniest dysplasia; Legg-Calve-Perthes disease; Namaqualand hip dysplasia; Platyspondylic dysplasia, Torrance type; Spondyloepiphyseal dysplasia congenita; Spondyloepimetaphyseal dysplasia, Strudwick type. Review status: criteria provided, single submitter. Criteria: ACMG Guidelines, 2015. Collection method: clinical testing. Allele origin: germline.
Comment: Absent from controls (or at extremely low frequency if recessive) in Genome Aggregation Database.;Missense variant in a gene that has a low rate of benign missense variation.;Multiple lines of computational evidence support a deleterious effect on the gene or gene product.